The following is an entry in ClinVar:

ClinVar aggregate classification (germline): Uncertain significance (1 of 4 stars; one submission).

gnomAD v4.1: 2 of 1,614,150 alleles (0.00012%); highest among the groups gnomAD compares: South Asian, 0.0011%; no homozygotes.

Submission:

Labcorp Genetics (formerly Invitae), Labcorp
Classification: Uncertain significance. Last evaluated: 2025-09-25. Review status: criteria provided, single submitter. Criteria: Invitae Variant Classification Sherloc (09022015). Collection method: clinical testing. Allele origin: germline.
Comment: This sequence change replaces methionine, which is neutral and non-polar, with valine, which is neutral and non-polar, at codon 648 of the MCM3AP protein (p.Met648Val). This variant is present in population databases (no rsID available, gnomAD 0.003%). This variant has not been reported in the literature in individuals affected with MCM3AP-related conditions. An algorithm developed to predict the effect of missense changes on protein structure and function (PolyPhen-2) suggests that this variant is likely to be tolerated. Algorithms developed to predict the effect of sequence changes on RNA splicing suggest that this variant may create or strengthen a splice site. In summary, the available evidence is currently insufficient to determine the role of this variant in disease. Therefore, it has been classified as a Variant of Uncertain Significance.

NM_003906.5(MCM3AP):c.1942A>G (p.Met648Val)

Gene: MCM3AP (minichromosome maintenance complex component 3 associated protein; minus strand). Cytogenetic location: 21q22.3.
Variant type: single nucleotide variant.
Coding change: c.1942A>G on transcript NM_003906.5 (MANE Select); coding-DNA position 1942, A replaced by G.
Protein change: p.Met648Val; replaces methionine 648 with valine.
Molecular consequence: missense variant.
Genome position (GRCh38, 1-based): chr21:46,275,242, T>C on the plus strand (A>G on the coding strand, the complement: MCM3AP is on the minus strand). VCF-style: chr21-46275242-T-C. GRCh37 (hg19) VCF-style: chr21-47695156-T-C.
Other names: short protein forms M648V.
Identifiers: ClinVar variation 4779501 (VCV004779501.1).